The following is an entry in ClinVar:

NM_001348323.3(TRIP12):c.4163A>G (p.Asp1388Gly)

Gene: TRIP12 (thyroid hormone receptor interactor 12; minus strand). Cytogenetic location: 2q36.3.
Variant type: single nucleotide variant.
Coding change: c.4163A>G on transcript NM_001348323.3 (MANE Select); coding-DNA position 4163, A replaced by G.
Protein change: p.Asp1388Gly; replaces aspartic acid 1388 with glycine.
Molecular consequence: missense variant.
Genome position (GRCh38, 1-based): chr2:229,792,205, T>C on the plus strand (A>G on the coding strand, the complement: TRIP12 is on the minus strand). VCF-style: chr2-229792205-T-C. GRCh37 (hg19) VCF-style: chr2-230656921-T-C.
Other names: c.4082A>G, p.Asp1361Gly (NM_001284214.2, NM_001348315.2); c.4037A>G, p.Asp1346Gly (NM_001284215.2, NM_001348316.2); c.3128A>G, p.Asp1043Gly (NM_001284216.2); c.4022A>G, p.Asp1341Gly (NM_001348317.1, NM_001348318.2); c.4148A>G, p.Asp1383Gly (NM_001348319.1, NM_001348320.2); c.4151A>G, p.Asp1384Gly (NM_001348321.1); c.4163A>G, p.Asp1388Gly (NM_001348322.1, NM_001348324.2, NM_001348325.2 and 2 more transcripts); c.4166A>G, p.Asp1389Gly (NM_001348328.1, NM_001348329.2, NM_001348330.2); and 4 more; short protein forms D1043G, D1313G, D1314G, D1341G, D1346G, D1354G, D1361G, D1362G.
Identifiers: ClinVar variation 2635207 (VCV002635207.1), dbSNP rs377294298, ClinGen allele CA2152583.

ClinVar aggregate classification (germline): Uncertain significance (1 of 4 stars; one submission).

Conditions:
TRIP12-related disorder. Also called: TRIP12-related condition.

Allele frequency attached by ClinVar (database versions not stated): ExAC 0.00001; gnomAD 0.00001; gnomAD exomes 0.00002; TOPMed 0.00002; ESP Exome Variant Server 0.00008.
gnomAD v4.1: 28 of 1,613,930 alleles (0.0017%); highest among the groups gnomAD compares: Non-Finnish European, 0.0022%; no homozygotes.

Submission:

PreventionGenetics, part of Exact Sciences
Classification: Uncertain significance for TRIP12-related condition. Last evaluated: 2023-05-27. Review status: criteria provided, single submitter. Criteria: ACMG Guidelines, 2015. Collection method: clinical testing. Allele origin: germline.
Comment: The TRIP12 c.4082A>G variant is predicted to result in the amino acid substitution p.Asp1361Gly. To our knowledge, this variant has not been reported in the literature. This variant is reported in 0.00088% of alleles in individuals of European (Non-Finnish) descent in gnomAD. At this time, the clinical significance of this variant is uncertain due to the absence of conclusive functional and genetic evidence.